The following is an entry in ClinVar:

ClinVar aggregate classification (germline): Uncertain significance. Review status: criteria provided, multiple submitters, no conflicts (2 of 4 stars). 3 submissions from 3 submitters: Uncertain significance (3). Last evaluated 2026-06-03.

Conditions:
Inborn genetic diseases. Identifiers: MedGen C0950123, MeSH D030342.
Congenital myasthenic syndrome 18. Also called: MYASTHENIC SYNDROME, CONGENITAL, 18, WITH INTELLECTUAL DISABILITY AND ATAXIA. Identifiers: Orphanet 590, MedGen C4225364, MONDO:0014590, OMIM 616330.

Allele frequency attached by ClinVar (database versions not stated): TOPMed 0.00001; gnomAD exomes 0.00001.
gnomAD v4.1: 3 of 1,613,710 alleles (0.00019%); highest among the groups gnomAD compares: Non-Finnish European, 0.00025%; no homozygotes.

Submissions (3):

Ambry Genetics
Classification: Uncertain significance for Inborn genetic diseases. Last evaluated: 2026-06-03. Review status: criteria provided, single submitter. Criteria: Ambry Variant Classification Scheme 2023. Collection method: clinical testing. Allele origin: germline.

Mayo Clinic Laboratories, Mayo Clinic
Classification: Uncertain significance. Last evaluated: 2025-08-08. Review status: criteria provided, single submitter. Criteria: ACMG Guidelines, 2015. Collection method: clinical testing. Allele origin: germline. Observed: 1 variant allele.
Comment: PP3

Labcorp Genetics (formerly Invitae), Labcorp
Classification: Uncertain significance for Congenital myasthenic syndrome 18. Last evaluated: 2024-02-16. Review status: criteria provided, single submitter. Criteria: Invitae Variant Classification Sherloc (09022015). Collection method: clinical testing. Allele origin: germline.
Comment: This sequence change replaces glutamine, which is neutral and polar, with histidine, which is basic and polar, at codon 197 of the SNAP25 protein (p.Gln197His). This variant is not present in population databases (gnomAD no frequency). This variant has not been reported in the literature in individuals affected with SNAP25-related conditions. ClinVar contains an entry for this variant (Variation ID: 1042738). An algorithm developed to predict the effect of missense changes on protein structure and function (PolyPhen-2) suggests that this variant is likely to be disruptive. In summary, the available evidence is currently insufficient to determine the role of this variant in disease. Therefore, it has been classified as a Variant of Uncertain Significance.

NM_130811.4(SNAP25):c.591A>C (p.Gln197His)

Gene: SNAP25 (synaptosome associated protein 25; plus strand). Cytogenetic location: 20p12.2.
Variant type: single nucleotide variant.
Coding change: c.591A>C on transcript NM_130811.4 (MANE Select); coding-DNA position 591, A replaced by C.
Protein change: p.Gln197His; replaces glutamine 197 with histidine.
Molecular consequence: missense variant.
Genome position (GRCh38, 1-based): chr20:10,306,167, A>C. VCF-style: chr20-10306167-A-C. GRCh37 (hg19) VCF-style: chr20-10286815-A-C.
Other names: p.Gln197His; c.591A>C, p.Gln197His (NM_001322902.2, NM_001322903.2, NM_001322904.2 and 7 more transcripts); c.591A>C (NM_003081.4); short protein forms Q197H.
Identifiers: ClinVar variation 1042738 (VCV001042738.12), dbSNP rs2064355285, ClinGen allele CA408266892.
Genomic context (GRCh38, chr20:10,306,167, plus strand): 5'-GTTTCTTTTCCCCCTTTTCTAGGCTGATTCCAACAAAACCAGAATTGATGAGGCCAACCA[A>C]CGTGCAACAAAGATGCTGGGAAGTGGTTAAGTGTGCCCACCCGTGTTCTCCTCCAAATGC-3'
Protein context (NP_570824.1, residues 187-206): SNKTRIDEAN[Gln197His]RATKMLGSG